The following is an entry in ClinVar:

ClinVar aggregate classification (germline): Uncertain significance. Review status: criteria provided, multiple submitters, no conflicts (2 of 4 stars). 2 submissions from 2 submitters: Uncertain significance (2). Last evaluated 2025-12-09.

Conditions:
Hereditary cancer-predisposing syndrome. Also called: Neoplastic Syndromes, Hereditary; Hereditary neoplastic syndrome; Hereditary Cancer Syndrome; Tumor predisposition. Identifiers: Orphanet 140162, MedGen C0027672, MeSH D009386, MONDO:0015356.
Familial adenomatous polyposis 2. Also called: MUTYH-related attenuated familial adenomatous polyposis; COLORECTAL ADENOMATOUS POLYPOSIS, AUTOSOMAL RECESSIVE; ADENOMAS, MULTIPLE COLORECTAL, AUTOSOMAL RECESSIVE; MYH-associated polyposis; MUTYH-associated polyposis; MUTYH Polyposis. Identifiers: Orphanet 220460, Orphanet 247798, MedGen C3272841, MONDO:0012041, OMIM 608456.

Submissions (2):

Labcorp Genetics (formerly Invitae), Labcorp
Classification: Uncertain significance for Familial adenomatous polyposis 2. Last evaluated: 2025-12-09. Review status: criteria provided, single submitter. Criteria: Invitae Variant Classification Sherloc (09022015). Collection method: clinical testing. Allele origin: germline.
Comment: This variant, c.444_446del, results in the deletion of 1 amino acid(s) of the MUTYH protein (p.Tyr149del), but otherwise preserves the integrity of the reading frame. This variant is present in population databases (no rsID available, gnomAD 0.007%). This variant has not been reported in the literature in individuals affected with MUTYH-related conditions. Experimental studies and prediction algorithms are not available or were not evaluated, and the functional significance of this variant is currently unknown. In summary, the available evidence is currently insufficient to determine the role of this variant in disease. Therefore, it has been classified as a Variant of Uncertain Significance.

Color Diagnostics, LLC DBA Color Health
Classification: Uncertain significance for Hereditary cancer-predisposing syndrome. Last evaluated: 2021-10-20. Review status: criteria provided, single submitter. Criteria: ACMG Guidelines, 2015. Collection method: clinical testing. Allele origin: germline.
Comment: This variant deletes an amino acid in exon 5 of the MUTYH protein. To our knowledge, functional studies have not been reported for this variant. This variant has not been reported in individuals affected with hereditary cancer in the literature. This variant has been identified in 1/251482 chromosomes in the general population by the Genome Aggregation Database (gnomAD). The available evidence is insufficient to determine the role of this variant in disease conclusively. Therefore, this variant is classified as a Variant of Uncertain Significance.

NM_001048174.2(MUTYH):c.357CTA[1] (p.Tyr121del)

Gene: MUTYH (mutY DNA glycosylase; minus strand). Cytogenetic location: 1p34.1.
Variant type: Microsatellite.
Coding change: c.357CTA[1] on transcript NM_001048174.2 (MANE Select); one copy of the 3-base unit CTA starting at c.357; the reference has two copies in a row; one copy, 3 bases deleted.
Protein change: p.Tyr121del; deletes tyrosine 121.
Molecular consequence: inframe deletion. On other transcripts: non-coding transcript variant (6), intron variant (3).
Genome position (GRCh38, 1-based): chr1:45,333,113-45,333,115, TAG deleted on the plus strand (CTA on the coding strand, the reverse complement: MUTYH is on the minus strand); deleting any 3 consecutive bases within chr1:45,333,113-45,333,119 gives the same sequence; the position shown is the placement nearest the transcript's 3' end. VCF-style (leftmost placement, unchanged base first): chr1-45333112-ATAG-A. GRCh37 (hg19) VCF-style: chr1-45798784-ATAG-A.
Other names: c.444_446del (NM_001128425.2); c.402CTA[1], p.Tyr136del (NM_001293190.2); c.390CTA[1], p.Tyr132del (NM_001293191.2, NM_001407077.1); c.81CTA[1], p.Tyr29del (NM_001293192.2, NM_001293196.2, NM_001407091.1); c.357CTA[1], p.Tyr121del (NM_001293195.2, NM_001407070.1, NM_001407072.1 and 6 more transcripts); c.432CTA[1], p.Tyr146del (NM_001407069.1, NM_012222.3); c.360CTA[1], p.Tyr122del (NM_001407071.1, NM_001407078.1, NM_001407079.1 and 2 more transcripts); c.399CTA[1], p.Tyr135del (NM_001407073.1, NM_001407083.1, NM_001407085.1); and 4 more; short protein forms Y128del, Y135del, Y121del, Y122del, Y132del, Y136del, Y149del, Y29del.
Identifiers: ClinVar variation 2773691 (VCV002773691.3), dbSNP rs1161278238, ClinGen allele CA522810470.
Genomic context (GRCh38, chr1:45,333,112, plus strand): 5'-TCTGGGGTCTGACCCATGACCCTTCCCTTCCTCCCCTGGAGTCACCTGCATCCATCCGGT[ATAG>A]TAGTTGATCACAGTGGCAACCTGGGTCTGCTGCAGCATGACCTCTGAGACCCACACTGGG-3'